The following is an entry in ClinVar:

ClinVar aggregate classification (germline): Uncertain significance (1 of 4 stars; one submission).

Conditions:
Hypertrophic cardiomyopathy 19. Also called: Familial hypertrophic cardiomyopathy 19. Identifiers: MedGen CN077603, MONDO:0013476.

gnomAD v4.1: 4 of 1,612,902 alleles (0.00025%); highest among the groups gnomAD compares: Non-Finnish European, 0.00034%; no homozygotes.

Submission:

Labcorp Genetics (formerly Invitae), Labcorp
Classification: Uncertain significance for Hypertrophic cardiomyopathy 19. Last evaluated: 2025-08-03. Review status: criteria provided, single submitter. Criteria: Invitae Variant Classification Sherloc (09022015). Collection method: clinical testing. Allele origin: germline.
Comment: This sequence change affects an acceptor splice site in intron 4 of the CALR3 gene. It is expected to disrupt RNA splicing. Variants that disrupt the donor or acceptor splice site typically lead to a loss of protein function (PMID: 16199547), however the current clinical and genetic evidence is not sufficient to establish whether loss-of-function variants in CALR3 cause disease. This variant is not present in population databases (gnomAD no frequency). This variant has not been reported in the literature in individuals affected with CALR3-related conditions. ClinVar contains an entry for this variant (Variation ID: 937583). Algorithms developed to predict the effect of sequence changes on RNA splicing suggest that this variant may disrupt the consensus splice site. In summary, the available evidence is currently insufficient to determine the role of this variant in disease. Therefore, it has been classified as a Variant of Uncertain Significance.

Literature cited by the submitters: PubMed 16199547.

NM_145046.5(CALR3):c.493-1G>T

Gene: CALR3 (calreticulin 3; minus strand). Cytogenetic location: 19p13.11.
Variant type: single nucleotide variant.
Coding change: c.493-1G>T on transcript NM_145046.5 (MANE Select); the canonical splice acceptor site of the intron before coding-DNA position 493, G replaced by T.
Molecular consequence: splice acceptor variant.
Genome position (GRCh38, 1-based): chr19:16,484,116, C>A on the plus strand (G>T on the coding strand, the complement: CALR3 is on the minus strand). VCF-style: chr19-16484116-C-A. GRCh37 (hg19) VCF-style: chr19-16594927-C-A.
Identifiers: ClinVar variation 937583 (VCV000937583.8), dbSNP rs1599718289, ClinGen allele CA404610384.